The following is an entry in ClinVar:

ClinVar aggregate classification (germline): Uncertain significance (1 of 4 stars; one submission).

Allele frequency attached by ClinVar (database versions not stated): gnomAD exomes below 0.00001.
gnomAD v4.1: 1 of 1,610,426 alleles (0.000062%); highest among the groups gnomAD compares: Admixed American, 0.0017%; no homozygotes.

Submission:

Labcorp Genetics (formerly Invitae), Labcorp
Classification: Uncertain significance. Last evaluated: 2025-08-21. Review status: criteria provided, single submitter. Criteria: Invitae Variant Classification Sherloc (09022015). Collection method: clinical testing. Allele origin: germline.
Comment: This sequence change falls in intron 1 of the USH1C gene. It does not directly change the encoded amino acid sequence of the USH1C protein. It affects a nucleotide within the consensus splice site. This variant is not present in population databases (gnomAD no frequency). This variant has not been reported in the literature in individuals affected with USH1C-related conditions. ClinVar contains an entry for this variant (Variation ID: 2171616). Variants that disrupt the consensus splice site are a relatively common cause of aberrant splicing (PMID: 17576681, 9536098). Algorithms developed to predict the effect of sequence changes on RNA splicing suggest that this variant is not likely to affect RNA splicing. In summary, the available evidence is currently insufficient to determine the role of this variant in disease. Therefore, it has been classified as a Variant of Uncertain Significance.

Literature cited by the submitters: PubMed 17576681; PubMed 9536098.

NM_153676.4(USH1C):c.37-3C>T

Gene: USH1C (USH1 protein network component harmonin; minus strand). Cytogenetic location: 11p15.1.
Variant type: single nucleotide variant.
Coding change: c.37-3C>T on transcript NM_153676.4 (MANE Select); 3 bases into the intron before coding-DNA position 37, C replaced by T.
Molecular consequence: intron variant.
Genome position (GRCh38, 1-based): chr11:17,533,325, G>A on the plus strand (C>T on the coding strand, the complement: USH1C is on the minus strand). VCF-style: chr11-17533325-G-A. GRCh37 (hg19) VCF-style: chr11-17554872-G-A.
Other names: c.37-3C>T (NM_001297764.2, NM_005709.4).
Identifiers: ClinVar variation 2171616 (VCV002171616.4), dbSNP rs2497242282, ClinGen allele CA2574769762.